The following is an entry in ClinVar:

ClinVar aggregate classification (germline): Uncertain significance (1 of 4 stars; one submission).

Allele frequency attached by ClinVar (database versions not stated): TOPMed below 0.00001; ExAC 0.00001; gnomAD exomes 0.00001 and 0.00002.
gnomAD v4.1: 18 of 1,614,098 alleles (0.0011%); highest among the groups gnomAD compares: East Asian, 0.02%; no homozygotes.

Submission:

Labcorp Genetics (formerly Invitae), Labcorp
Classification: Uncertain significance. Last evaluated: 2022-03-23. Review status: criteria provided, single submitter. Criteria: Invitae Variant Classification Sherloc (09022015). Collection method: clinical testing. Allele origin: germline.
Comment: This sequence change replaces serine, which is neutral and polar, with leucine, which is neutral and non-polar, at codon 2075 of the SZT2 protein (p.Ser2075Leu). This variant is present in population databases (rs747764184, gnomAD 0.02%). This variant has not been reported in the literature in individuals affected with SZT2-related conditions. ClinVar contains an entry for this variant (Variation ID: 1038068). Algorithms developed to predict the effect of missense changes on protein structure and function output the following: SIFT: "Tolerated"; PolyPhen-2: "Benign"; Align-GVGD: "Class C0". The leucine amino acid residue is found in multiple mammalian species, which suggests that this missense change does not adversely affect protein function. In summary, the available evidence is currently insufficient to determine the role of this variant in disease. Therefore, it has been classified as a Variant of Uncertain Significance.

NM_001365999.1(SZT2):c.6395C>T (p.Ser2132Leu)

Gene: SZT2 (SZT2 subunit of KICSTOR complex; plus strand). Cytogenetic location: 1p34.2.
Variant type: single nucleotide variant.
Coding change: c.6395C>T on transcript NM_001365999.1 (MANE Select); coding-DNA position 6395, C replaced by T.
Protein change: p.Ser2132Leu; replaces serine 2132 with leucine.
Molecular consequence: missense variant.
Genome position (GRCh38, 1-based): chr1:43,437,699, C>T. VCF-style: chr1-43437699-C-T. GRCh37 (hg19) VCF-style: chr1-43903370-C-T.
Other names: c.6224C>T, p.Ser2075Leu (NM_015284.4); short protein forms S2132L, S2075L.
Identifiers: ClinVar variation 1038068 (VCV001038068.6), dbSNP rs747764184, ClinGen allele CA809861.
Genomic context (GRCh38, chr1:43,437,699, plus strand): 5'-CGCTGCCCCCTTCCCTCGCTCTGTCCCGAAGCCAAGAGCCCATCTACTCTGAGGAAGCCT[C>T]GGCATGTATCACTCCCACTCTCTGATGCCCCTGTGTTCCTCTTGCACTTTGCTCTCTGGA-3'
Protein context (NP_001352928.1, residues 2122-2142): SQEPIYSEEA[Ser2132Leu]GPRSPLDMVS